The following is an entry in ClinVar:

ClinVar aggregate classification (germline): Likely benign. Review status: criteria provided, multiple submitters, no conflicts (2 of 4 stars). 3 submissions from 3 submitters: Likely benign (3). Last evaluated 2024-04-24.

Allele frequency attached by ClinVar (database versions not stated): gnomAD 0.00001; gnomAD exomes 0.00002; TOPMed 0.00002.
gnomAD v4.1: 40 of 1,614,092 alleles (0.0025%); highest among the groups gnomAD compares: Non-Finnish European, 0.0028%; no homozygotes.

Submissions (3):

Women's Health and Genetics/Laboratory Corporation of America, LabCorp
Classification: Likely benign. Last evaluated: 2024-04-24. Review status: criteria provided, single submitter. Criteria: LabCorp Variant Classification Summary - May 2015. Collection method: clinical testing. Allele origin: germline.
Comment: Variant summary: VPS33B c.778+10A>G alters a non-conserved nucleotide located at a position not widely known to affect splicing. Consensus agreement among computation tools predict no significant impact on normal splicing. However, these predictions have yet to be confirmed by functional studies. The variant allele was found at a frequency of 1.2e-05 in 251422 control chromosomes. The available data on variant occurrences in the general population are insufficient to allow any conclusion about variant significance. To our knowledge, no occurrence of c.778+10A>G in individuals affected with VPS33B-Related Disorders and no experimental evidence demonstrating its impact on protein function have been reported. ClinVar contains an entry for this variant (Variation ID: 2966211). Based on the evidence outlined above, the variant was classified as likely benign.

Blueprint Genetics
Classification: Likely benign. Last evaluated: 2023-09-08. Review status: criteria provided, single submitter. Criteria: ACMG Guidelines, 2015. Collection method: clinical testing. Allele origin: germline.

Labcorp Genetics (formerly Invitae), Labcorp
Classification: Likely benign. Last evaluated: 2023-04-22. Review status: criteria provided, single submitter. Criteria: Invitae Variant Classification Sherloc (09022015). Collection method: clinical testing. Allele origin: germline.

NM_018668.5(VPS33B):c.778+10A>G

Gene: VPS33B (VPS33B late endosome and lysosome associated; minus strand). Cytogenetic location: 15q26.1.
Variant type: single nucleotide variant.
Coding change: c.778+10A>G on transcript NM_018668.5 (MANE Select); 10 bases into the intron after coding-DNA position 778, A replaced by G.
Molecular consequence: intron variant.
Genome position (GRCh38, 1-based): chr15:91,006,642, T>C on the plus strand (A>G on the coding strand, the complement: VPS33B is on the minus strand). VCF-style: chr15-91006642-T-C. GRCh37 (hg19) VCF-style: chr15-91549872-T-C.
Other names: c.697+10A>G (NM_001289148.1); c.505+10A>G (NM_001289149.1).
Identifiers: ClinVar variation 2966211 (VCV002966211.5), dbSNP rs972379074, ClinGen allele CA274752687.